The following is an entry in ClinVar:

ClinVar aggregate classification (germline): Likely benign. Review status: criteria provided, multiple submitters, no conflicts (2 of 4 stars). 2 submissions from 2 submitters: Likely benign (2). Last evaluated 2024-03-14.

Conditions:
Wilson disease (WND). Also called: Wilson's disease. Identifiers: Orphanet 905, MedGen C0019202, MONDO:0010200, OMIM 277900. Disease mechanism: loss of function.

Submissions (2):

All of Us Research Program, National Institutes of Health
Classification: Likely benign for Wilson disease. Last evaluated: 2024-03-14. Review status: criteria provided, single submitter. Criteria: ACMG Guidelines, 2015. Collection method: clinical testing. Allele origin: germline. Inheritance: Autosomal recessive inheritance. Observed: 1 variant allele, 1 heterozygote.
Comment: This study involves interpretation of variants in research participants for the purpose of population health screening. Participant phenotype was not available at the time of variant classification. Additional details can be found in publication PMID: 35346344, PMCID: PMC8962531

Labcorp Genetics (formerly Invitae), Labcorp
Classification: Likely benign for Wilson disease. Last evaluated: 2024-01-31. Review status: criteria provided, single submitter. Criteria: Invitae Variant Classification Sherloc (09022015). Collection method: clinical testing. Allele origin: germline.

NM_000053.4(ATP7B):c.4224C>T (p.Asp1408=)

Gene: ATP7B (ATPase copper transporting beta; minus strand). Cytogenetic location: 13q14.3.
Variant type: single nucleotide variant.
Coding change: c.4224C>T on transcript NM_000053.4 (MANE Select); coding-DNA position 4224, C replaced by T.
Protein change: p.Asp1408=; no amino-acid change (aspartic acid 1408 retained).
Molecular consequence: synonymous variant.
Genome position (GRCh38, 1-based): chr13:51,934,930, G>A on the plus strand (C>T on the coding strand, the complement: ATP7B is on the minus strand). VCF-style: chr13-51934930-G-A. GRCh37 (hg19) VCF-style: chr13-52509066-G-A.
Other names: c.3603C>T, p.Asp1201= (NM_001005918.3); c.3891C>T, p.Asp1297= (NM_001243182.2); c.3990C>T, p.Asp1330= (NM_001330578.2, NM_001406527.1, NM_001406528.1); c.3972C>T, p.Asp1324= (NM_001330579.2, NM_001406531.1, NM_001406532.1); c.4224C>T, p.Asp1408= (NM_001406511.1, NM_001406512.1); c.4218C>T, p.Asp1406= (NM_001406513.1); c.4191C>T, p.Asp1397= (NM_001406514.1); c.4170C>T, p.Asp1390= (NM_001406515.1, NM_001406516.1); and 21 more.
Identifiers: ClinVar variation 2905180 (VCV002905180.4), dbSNP rs2547542363, ClinGen allele CA484024184.
Genomic context (GRCh38, chr13:51,934,930, plus strand): 5'-CACCTGGCTGACATAGCTGACCTGGTCCCATGGTGTGGCCCTGGGGGAGTCCCGCCACCT[G>A]TCATCCATGCCTATGTGCACACTGACCTGGGATGCCGTCAGGGGCTTCATGTGGCCATGC-3'
Protein context (NP_000044.2, residues 1398-1418): SQVSVHIGMD[Asp1408=]RWRDSPRATP